The following is an entry in ClinVar:

ClinVar aggregate classification (germline): Conflicting classifications of pathogenicity. Review status: criteria provided, conflicting classifications (1 of 4 stars). 3 submissions from 3 submitters: Likely pathogenic (1); Uncertain significance (2). Last evaluated 2024-03-04.

Conditions:
BEST1-related disorder. Also called: BEST1-related condition; BEST1-related disorders. Identifiers: MedGen CN239200.

Allele frequency attached by ClinVar (database versions not stated): gnomAD 0.00001; TOPMed 0.00001.
gnomAD v4.1: 13 of 1,613,860 alleles (0.00081%); highest among the groups gnomAD compares: Non-Finnish European, 0.0011%; no homozygotes.

Submissions (3):

Labcorp Genetics (formerly Invitae), Labcorp
Classification: Uncertain significance. Last evaluated: 2024-03-04. Review status: criteria provided, single submitter. Criteria: Invitae Variant Classification Sherloc (09022015). Collection method: clinical testing. Allele origin: germline.
Comment: This sequence change falls in intron 10 of the BEST1 gene. It does not directly change the encoded amino acid sequence of the BEST1 protein. It affects a nucleotide within the consensus splice site. This variant is not present in population databases (gnomAD no frequency). This variant has not been reported in the literature in individuals affected with BEST1-related conditions. ClinVar contains an entry for this variant (Variation ID: 497648). Variants that disrupt the consensus splice site are a relatively common cause of aberrant splicing (PMID: 17576681, 9536098). Algorithms developed to predict the effect of sequence changes on RNA splicing suggest that this variant may disrupt the consensus splice site. In summary, the available evidence is currently insufficient to determine the role of this variant in disease. Therefore, it has been classified as a Variant of Uncertain Significance.

Blueprint Genetics
Classification: Likely pathogenic for BEST1-related disorders. Last evaluated: 2019-09-30. Review status: criteria provided, single submitter. Criteria: ACMG Guidelines, 2015. Collection method: clinical testing. Allele origin: germline. Affected: yes. Observed: 2 variant alleles.

Eurofins Ntd Llc (ga)
Classification: Uncertain significance. Last evaluated: 2018-03-02. Review status: criteria provided, single submitter. Criteria: EGL ClinVar v180209 classification definitions. Collection method: clinical testing. Allele origin: germline. Observed: 2 variant alleles, 2 heterozygotes.

Literature cited by the submitters: PubMed 17576681 (cited by Labcorp Genetics (formerly Invitae), Labcorp); PubMed 9536098 (cited by Labcorp Genetics (formerly Invitae), Labcorp).

NM_004183.4(BEST1):c.1740-3T>G

Gene: BEST1 (bestrophin 1; plus strand). Cytogenetic location: 11q12.3.
Variant type: single nucleotide variant.
Coding change: c.1740-3T>G on transcript NM_004183.4 (MANE Select); 3 bases into the intron before coding-DNA position 1740, T replaced by G.
Molecular consequence: intron variant.
Genome position (GRCh38, 1-based): chr11:61,964,101, T>G. VCF-style: chr11-61964101-T-G. GRCh37 (hg19) VCF-style: chr11-61731573-T-G.
Other names: c.*952T>G (NM_001139443.3, NM_001363591.3, NM_001363593.3); c.*1842T>G (NM_001363592.2); c.1560-3T>G (NM_001300787.2); c.1479-3T>G (NM_001300786.2).
Identifiers: ClinVar variation 497648 (VCV000497648.13), dbSNP rs1554965067, ClinGen allele CA658797656.
Genomic context (GRCh38, chr11:61,964,101, plus strand): 5'-TTTTGGTATTTGAAATGAAGGGACCTTCCATACTTATGCTGTTAATACTTTCATTCTCAC[T>G]AGGGATGAAGCACATTCCTAACCTGCTTCCTAATGGGGATGCTTCGCCAGCCAGGTCCTC-3'